The following is an entry in ClinVar:

ClinVar aggregate classification (germline): Uncertain significance (1 of 4 stars; one submission).

Conditions:
Ataxia-telangiectasia syndrome (AT). Also called: Ataxia-telangiectasia, complementation group D; AT, COMPLEMENTATION GROUP C; ATAXIA-TELANGIECTASIA, COMPLEMENTATION GROUP A; ATAXIA-TELANGIECTASIA, FRESNO VARIANT; Ataxia-telangiectasia; Ataxia-telangiectasia, complementation group E. Identifiers: Orphanet 100, MedGen C0004135, MONDO:0008840, OMIM 208900.

Submission:

Labcorp Genetics (formerly Invitae), Labcorp
Classification: Uncertain significance for Ataxia-telangiectasia syndrome. Last evaluated: 2024-09-11. Review status: criteria provided, single submitter. Criteria: Invitae Variant Classification Sherloc (09022015). Collection method: clinical testing. Allele origin: germline.
Comment: This sequence change replaces lysine, which is basic and polar, with glutamic acid, which is acidic and polar, at codon 1992 of the ATM protein (p.Lys1992Glu). This variant is not present in population databases (gnomAD no frequency). This variant has not been reported in the literature in individuals affected with ATM-related conditions. An algorithm developed to predict the effect of missense changes on protein structure and function (PolyPhen-2) suggests that this variant is likely to be disruptive. In summary, the available evidence is currently insufficient to determine the role of this variant in disease. Therefore, it has been classified as a Variant of Uncertain Significance.

NM_000051.4(ATM):c.5974A>G (p.Lys1992Glu)

Genes: ATM (ATM serine/threonine kinase; plus strand), C11orf65 (chromosome 11 open reading frame 65; minus strand). Cytogenetic location: 11q22.3.
Variant type: single nucleotide variant.
Coding change: c.5974A>G on transcript NM_000051.4 (MANE Select); coding-DNA position 5974, A replaced by G.
Protein change: p.Lys1992Glu; replaces lysine 1992 with glutamic acid.
Molecular consequence: missense variant. On other transcripts: intron variant (2).
Genome position (GRCh38, 1-based): chr11:108,312,466, A>G. VCF-style: chr11-108312466-A-G. GRCh37 (hg19) VCF-style: chr11-108183193-A-G.
Other names: c.5974A>G, p.Lys1992Glu (NM_001351834.2); c.641-3395T>C (NM_001330368.2); c.*39-3395T>C (NM_001351110.2); short protein forms K1992E.
Identifiers: ClinVar variation 3703674 (VCV003703674.2).